The following is an entry in ClinVar:

ClinVar aggregate classification (germline): Uncertain significance (1 of 4 stars; one submission).

Submission:

GeneDx
Classification: Uncertain significance. Last evaluated: 2019-09-04. Review status: criteria provided, single submitter. Criteria: GeneDx Variant Classification Process June 2021. Collection method: clinical testing. Allele origin: germline. Affected: yes.
Comment: Not observed in large population cohorts (Lek et al., 2016); In silico analysis, which includes protein predictors and evolutionary conservation, supports that this variant does not alter protein structure/function; Has not been previously published as pathogenic or benign to our knowledge

NM_005458.8(GABBR2):c.2576A>G (p.Asp859Gly)

Gene: GABBR2 (gamma-aminobutyric acid type B receptor subunit 2; minus strand). Cytogenetic location: 9q22.33.
Variant type: single nucleotide variant.
Coding change: c.2576A>G on transcript NM_005458.8 (MANE Select); coding-DNA position 2576, A replaced by G.
Protein change: p.Asp859Gly; replaces aspartic acid 859 with glycine.
Molecular consequence: missense variant.
Genome position (GRCh38, 1-based): chr9:98,293,869, T>C on the plus strand (A>G on the coding strand, the complement: GABBR2 is on the minus strand). VCF-style: chr9-98293869-T-C. GRCh37 (hg19) VCF-style: chr9-101056151-T-C.
Other names: short protein forms D859G.
Identifiers: ClinVar variation 1310894 (VCV001310894.2), dbSNP rs2131336279, ClinGen allele CA374210157.